The following is an entry in ClinVar:

NM_018127.7(ELAC2):c.560-1G>A

Gene: ELAC2 (elaC ribonuclease Z 2; minus strand). Cytogenetic location: 17p12.
Variant type: single nucleotide variant.
Coding change: c.560-1G>A on transcript NM_018127.7 (MANE Select); the canonical splice acceptor site of the intron before coding-DNA position 560, G replaced by A.
Molecular consequence: splice acceptor variant. On other transcripts: intron variant (1).
Genome position (GRCh38, 1-based): chr17:13,011,783, C>T on the plus strand (G>A on the coding strand, the complement: ELAC2 is on the minus strand). VCF-style: chr17-13011783-C-T. GRCh37 (hg19) VCF-style: chr17-12915100-C-T.
Other names: c.560-1112G>A (NM_001165962.2); c.560-1G>A (NM_173717.2).
Identifiers: ClinVar variation 1460887 (VCV001460887.6), dbSNP rs2143661948, ClinGen allele CA398217629.

ClinVar aggregate classification (germline): Uncertain significance (1 of 4 stars; one submission).

Conditions:
Combined oxidative phosphorylation defect type 17. Also called: Combined oxidative phosphorylation deficiency 17. Identifiers: Orphanet 369913, MedGen C3809526, MONDO:0014190, OMIM 615440.

Submission:

Labcorp Genetics (formerly Invitae), Labcorp
Classification: Uncertain significance for Combined oxidative phosphorylation defect type 17. Last evaluated: 2021-08-12. Review status: criteria provided, single submitter. Criteria: Invitae Variant Classification Sherloc (09022015). Collection method: clinical testing. Allele origin: germline.
Comment: This sequence change affects an acceptor splice site in intron 6 of the ELAC2 gene. It is expected to disrupt RNA splicing. Variants that disrupt the donor or acceptor splice site typically lead to a loss of protein function (PMID: 16199547), however, it is currently unclear if variants that occur in this region of the gene cause disease. This variant is not present in population databases (ExAC no frequency). This variant has not been reported in the literature in individuals affected with ELAC2-related conditions. Algorithms developed to predict the effect of sequence changes on RNA splicing suggest that this variant may disrupt the consensus splice site. In summary, the available evidence is currently insufficient to determine the role of this variant in disease. Therefore, it has been classified as a Variant of Uncertain Significance.

Literature cited by the submitters: PubMed 16199547.